The following is an entry in ClinVar:

ClinVar aggregate classification (germline): Likely benign. Review status: criteria provided, multiple submitters, no conflicts (2 of 4 stars). 3 submissions from 3 submitters: Likely benign (3). Last evaluated 2025-07-14.

Conditions:
Fanconi anemia (FA). Also called: Fanconi's anemia. Identifiers: Orphanet 84, MedGen C0015625, MeSH D005199, MONDO:0019391.

Allele frequency attached by ClinVar (database versions not stated): gnomAD exomes below 0.00001 and 0.00001; TOPMed below 0.00001; gnomAD 0.00001; ExAC 0.00002; 1000 Genomes Project 30x 0.00016; 1000 Genomes Project 0.00020.
gnomAD v4.1: 7 of 1,613,292 alleles (0.00043%); highest among the groups gnomAD compares: Middle Eastern, 0.017%; no homozygotes.

Submissions (3):

Labcorp Genetics (formerly Invitae), Labcorp
Classification: Likely benign for Fanconi anemia. Last evaluated: 2025-07-14. Review status: criteria provided, single submitter. Criteria: Invitae Variant Classification Sherloc (09022015). Collection method: clinical testing. Allele origin: germline.

Blueprint Genetics
Classification: Likely benign. Last evaluated: 2023-02-09. Review status: criteria provided, single submitter. Criteria: ACMG Guidelines, 2015. Collection method: clinical testing. Allele origin: germline.

GeneDx
Classification: Likely benign. Last evaluated: 2017-04-07. Review status: criteria provided, single submitter. Criteria: GeneDx Variant Classification (06012015). Collection method: clinical testing. Allele origin: germline. Affected: yes.
Comment: This variant is considered likely benign or benign based on one or more of the following criteria: it is a conservative change, it occurs at a poorly conserved position in the protein, it is predicted to be benign by multiple in silico algorithms, and/or has population frequency not consistent with disease.

NM_000136.3(FANCC):c.165+12A>G

Gene: FANCC (FA complementation group C; minus strand). Cytogenetic location: 9q22.32.
Variant type: single nucleotide variant.
Coding change: c.165+12A>G on transcript NM_000136.3 (MANE Select); 12 bases into the intron after coding-DNA position 165, A replaced by G.
Molecular consequence: intron variant.
Genome position (GRCh38, 1-based): chr9:95,249,115, T>C on the plus strand (A>G on the coding strand, the complement: FANCC is on the minus strand). VCF-style: chr9-95249115-T-C. GRCh37 (hg19) VCF-style: chr9-98011397-T-C.
Other names: c.165+12A>G (NM_001243743.2, NM_001243744.2).
Identifiers: ClinVar variation 387774 (VCV000387774.10), dbSNP rs200547296, ClinGen allele CA5137826.